The following is an entry in ClinVar:

NM_005632.3(CAPN15):c.1776G>A (p.Thr592=)

Gene: CAPN15 (calpain 15; plus strand). Cytogenetic location: 16p13.3.
Variant type: single nucleotide variant.
Coding change: c.1776G>A on transcript NM_005632.3 (MANE Select); coding-DNA position 1776, G replaced by A.
Protein change: p.Thr592=; no amino-acid change (threonine 592 retained).
Molecular consequence: synonymous variant.
Genome position (GRCh38, 1-based): chr16:549,405, G>A. VCF-style: chr16-549405-G-A. GRCh37 (hg19) VCF-style: chr16-599405-G-A.
Identifiers: ClinVar variation 3770854 (VCV003770854.13).

ClinVar aggregate classification (germline): Likely benign (1 of 4 stars; one submission).

gnomAD v4.1: 26 of 1,599,400 alleles (0.0016%); highest among the groups gnomAD compares: East Asian, 0.0022%; no homozygotes.

Submission:

CeGaT Center for Human Genetics Tuebingen
Classification: Likely benign. Last evaluated: 2025-01-01. Review status: criteria provided, single submitter. Criteria: CeGaT Center For Human Genetics Tuebingen Variant Classification Criteria Version 2. Collection method: clinical testing. Allele origin: germline. Affected: yes. Observed: 1 variant allele.
Comment: CAPN15: BP4, BP7